The following is an entry in ClinVar:

NM_007294.4(BRCA1):c.5014C>G (p.His1672Asp)

Gene: BRCA1 (BRCA1 DNA repair associated; minus strand). Cytogenetic location: 17q21.31.
Variant type: single nucleotide variant.
Coding change: c.5014C>G on transcript NM_007294.4 (MANE Select); coding-DNA position 5014, C replaced by G.
Protein change: p.His1672Asp; replaces histidine 1672 with aspartic acid.
Molecular consequence: missense variant. On other transcripts: non-coding transcript variant (1).
Genome position (GRCh38, 1-based): chr17:43,067,668, G>C on the plus strand (C>G on the coding strand, the complement: BRCA1 is on the minus strand). VCF-style: chr17-43067668-G-C. GRCh37 (hg19) VCF-style: chr17-41219685-G-C.
Other names: c.4801C>G, p.His1601Asp (NM_001407571.1, NM_001407898.1, NM_001407899.1 and 12 more transcripts); c.5080C>G, p.His1694Asp (NM_001407581.1, NM_001407582.1); c.5077C>G, p.His1693Asp (NM_001407583.1, NM_001407585.1, NM_001407587.1 and 1 more transcripts); c.5074C>G, p.His1692Asp (NM_001407590.1, NM_001407591.1); c.5014C>G, p.His1672Asp (NM_001407593.1, NM_001407594.1, NM_001407596.1 and 8 more transcripts); c.5011C>G, p.His1671Asp (NM_001407610.1, NM_001407611.1, NM_001407612.1 and 17 more transcripts); c.5008C>G, p.His1670Asp (NM_001407627.1, NM_001407628.1, NM_001407629.1 and 14 more transcripts); c.4999C>G, p.His1667Asp (NM_001407647.1); and 70 more; short protein forms H1672D, H568D, H1625D, H1693D, H1692D, H392D, H442D, H456D.
Identifiers: ClinVar variation 868531 (VCV000868531.3), dbSNP rs587781477, ClinGen allele CA10591489.
Genomic context (GRCh38, chr17:43,067,668, plus strand): 5'-CTGTTTTCATAACAACATGAGTAGTCTCTTCAGTAATTAGATTAGTTAAAGTGATGTGGT[G>C]TTTTCTGGCAAACTTGTACACGAGCATCTGAAATTAAATCAAATATTCCATTATCATGAG-3'
Protein context (NP_009225.1, residues 1662-1682): FMLVYKFARK[His1672Asp]HITLTNLITE

Conditions:
Breast-ovarian cancer, familial, susceptibility to, 1 (BROVCA1). Also called: BRCA1 Hereditary Breast and Ovarian Cancer; OVARIAN CANCER, SUSCEPTIBILITY TO. Identifiers: Orphanet 145, MedGen C2676676, MONDO:0011450, OMIM 604370. Disease mechanism: loss of function.

Submission:

Brotman Baty Institute, University of Washington
No classification provided (evidence only). Condition: Breast-ovarian cancer, familial 1. Review status: no classification provided. Collection method: in vitro. Allele origin: not applicable. Functional consequence: function_uncertain_variant.
ClinVar note: "not provided" was previously submitted as the classification for the variant. However, the classification appeared to be based only on an observation of functional data so it was converted to no classification on 2025-07-30.